The following is an entry in ClinVar:

NM_001429.4(EP300):c.6374A>G (p.His2125Arg)

Gene: EP300 (EP300 lysine acetyltransferase; plus strand). Cytogenetic location: 22q13.2.
Variant type: single nucleotide variant.
Coding change: c.6374A>G on transcript NM_001429.4 (MANE Select); coding-DNA position 6374, A replaced by G.
Protein change: p.His2125Arg; replaces histidine 2125 with arginine.
Molecular consequence: missense variant.
Genome position (GRCh38, 1-based): chr22:41,178,085, A>G. VCF-style: chr22-41178085-A-G. GRCh37 (hg19) VCF-style: chr22-41574089-A-G.
Other names: c.6296A>G, p.His2099Arg (NM_001362843.2); short protein forms H2125R, H2099R.
Identifiers: ClinVar variation 341821 (VCV000341821.51), dbSNP rs886057568, ClinGen allele CA10653568.

ClinVar aggregate classification (germline): Uncertain significance. Review status: criteria provided, multiple submitters, no conflicts (2 of 4 stars). 2 submissions from 2 submitters: Uncertain significance (2). Last evaluated 2023-12-11.

Conditions:
Rubinstein-Taybi syndrome due to EP300 haploinsufficiency. Also called: EP300-Related Rubinstein-Taybi Syndrome; RUBINSTEIN-TAYBI SYNDROME 2. Identifiers: Orphanet 353284, Orphanet 783, MedGen C3150941, MONDO:0013364, OMIM 613684.

Allele frequency attached by ClinVar (database versions not stated): gnomAD exomes below 0.00001; TOPMed below 0.00001.
gnomAD v4.1: 1 of 1,613,796 alleles (0.000062%); highest among the groups gnomAD compares: African/African-American, 0.0013%; no homozygotes.

Submissions (2):

GeneDx
Classification: Uncertain significance. Last evaluated: 2023-12-11. Review status: criteria provided, single submitter. Criteria: GeneDx Variant Classification Process June 2021. Collection method: clinical testing. Allele origin: germline. Affected: yes.
Comment: Not observed at significant frequency in large population cohorts (gnomAD); In silico analysis supports that this missense variant has a deleterious effect on protein structure/function; Has not been previously published as pathogenic or benign to our knowledge

Labcorp Genetics (formerly Invitae), Labcorp
Classification: Uncertain significance for Rubinstein-Taybi syndrome due to EP300 haploinsufficiency. Last evaluated: 2020-01-08. Review status: criteria provided, single submitter. Criteria: Invitae Variant Classification Sherloc (09022015). Collection method: clinical testing. Allele origin: germline.
Comment: In summary, the available evidence is currently insufficient to determine the role of this variant in disease. Therefore, it has been classified as a Variant of Uncertain Significance. Algorithms developed to predict the effect of missense changes on protein structure and function (SIFT, PolyPhen-2, Align-GVGD) all suggest that this variant is likely to be disruptive, but these predictions have not been confirmed by published functional studies and their clinical significance is uncertain. This variant has not been reported in the literature in individuals with EP300-related conditions. ClinVar contains an entry for this variant (Variation ID: 341821). This variant is not present in population databases (ExAC no frequency). This sequence change replaces histidine with arginine at codon 2125 of the EP300 protein (p.His2125Arg). The histidine residue is highly conserved and there is a small physicochemical difference between histidine and arginine.